The following is an entry in ClinVar:

NM_002439.5(MSH3):c.1310_1311del (p.Glu437fs)

Gene: MSH3 (mutS homolog 3; plus strand). Cytogenetic location: 5q14.1.
Variant type: Microsatellite.
Coding change: c.1310_1311del on transcript NM_002439.5 (MANE Select); coding-DNA positions 1310 to 1311, 2 bases deleted (AG; older notation c.1310_1311delAG).
Protein change: p.Glu437fs; shifts the reading frame from glutamic acid 437.
Molecular consequence: frameshift variant.
Genome position (GRCh38, 1-based): chr5:80,679,063-80,679,064, AG deleted; deleting any 2 consecutive bases within chr5:80,679,061-80,679,064 gives the same sequence; the c. name uses the placement nearest the transcript's 3' end. VCF-style (leftmost placement, unchanged base first): chr5-80679060-CAG-C. GRCh37 (hg19) VCF-style: chr5-79974879-CAG-C.
Other names: c.1310_1311del (NM_002439.4); short protein forms E437fs.
Identifiers: ClinVar variation 642843 (VCV000642843.15), dbSNP rs757194485, ClinGen allele CA3327855.

ClinVar aggregate classification (germline): Pathogenic/Likely pathogenic. Review status: criteria provided, multiple submitters, no conflicts (2 of 4 stars). 6 submissions from 6 submitters: Pathogenic (4); Likely pathogenic (2). Last evaluated 2026-02-17.

Conditions:
Endometrial carcinoma. Also called: Endometrial carcinoma, somatic. Identifiers: MedGen C0476089, MONDO:0002447, OMIM 608089, HP:0012114.
Hereditary cancer-predisposing syndrome. Also called: Neoplastic Syndromes, Hereditary; Tumor predisposition; Hereditary neoplastic syndrome; Hereditary Cancer Syndrome. Identifiers: Orphanet 140162, MedGen C0027672, MeSH D009386, MONDO:0015356.
Familial adenomatous polyposis 4 (FAP4). Also called: MSH3-related attenuated familial adenomatous polyposis. Identifiers: Orphanet 480536, MedGen C4310719, MONDO:0044300, OMIM 617100.
MSH3-related disorder. Also called: MSH3-related condition.

Submissions (6):

PreventionGenetics, part of Exact Sciences
Classification: Pathogenic for MSH3-related condition. Last evaluated: 2026-02-17. Review status: criteria provided, single submitter. Criteria: ACMG Guidelines, 2015. Collection method: clinical testing. Allele origin: germline.
Comment: The MSH3 c.1310_1311delAG variant is predicted to result in a frameshift and premature protein termination (p.Glu437Glyfs*10). This variant has been reported on the same allele, in cis, with a second MSH3 variant in an individual with a personal history of polyposis; however, MSH3 protein was found to be present in the tumor tissue by immunohistochemical analysis (Index Patient, Family 158, Figure 1 and Table S1, Olkinuora et al. 2018. PubMed ID: 30573798). This variant is reported in 0.024% of alleles in individuals of European (Finnish) descent in gnomAD and has been interpreted as likely pathogenic/pathogenic in the ClinVar database (Variation ID: 642843). Frameshift variants in MSH3 are expected to be pathogenic (Adam et al. 2016. PubMed ID: 27476653). This variant is interpreted as pathogenic.

Labcorp Genetics (formerly Invitae), Labcorp
Classification: Pathogenic. Last evaluated: 2025-07-21. Review status: criteria provided, single submitter. Criteria: Invitae Variant Classification Sherloc (09022015). Collection method: clinical testing. Allele origin: germline.
Comment: This sequence change creates a premature translational stop signal (p.Glu437Glyfs*10) in the MSH3 gene. It is expected to result in an absent or disrupted protein product. Loss-of-function variants in MSH3 are known to be pathogenic (PMID: 27476653, 37402566). This variant is present in population databases (rs757194485, gnomAD 0.02%). This variant has not been reported in the literature in individuals affected with MSH3-related conditions. ClinVar contains an entry for this variant (Variation ID: 642843). For these reasons, this variant has been classified as Pathogenic.

Ambry Genetics
Classification: Pathogenic for Hereditary cancer-predisposing syndrome. Last evaluated: 2024-05-29. Review status: criteria provided, single submitter. Criteria: Ambry Variant Classification Scheme 2023. Collection method: clinical testing. Allele origin: germline.
Comment: The c.1310_1311delAG pathogenic mutation, located in coding exon 8 of the MSH3 gene, results from a deletion of two nucleotides at nucleotide positions 1310 to 1311, causing a translational frameshift with a predicted alternate stop codon (p.E437Gfs*10). This mutation, designated c.1308_1309delAG, was detected in a patient with colorectal polyposis along with a second alteration in MSH3; however it was determined these alterations were present on the same chromosome (in cis) and MSH3 protein was present in tumor tissue by immunohistochemical analysis (Olkinuora A et al. Genet Med, 2019 08;21:1868-1873). In addition to the clinical data presented in the literature, this alteration is expected to result in loss of function by premature protein truncation or nonsense-mediated mRNA decay. As such, this alteration is interpreted as a disease-causing mutation.

Myriad Genetics, Inc.
Classification: Pathogenic for Familial adenomatous polyposis 4. Last evaluated: 2023-08-29. Review status: criteria provided, single submitter. Criteria: Myriad Autosomal Dominant, Autosomal Recessive and X-Linked Classification Criteria (2023). Collection method: clinical testing. Allele origin: unknown.
Comment: This variant is considered pathogenic. This variant creates a frameshift predicted to result in premature protein truncation.

Baylor Genetics
Classification: Likely pathogenic for Endometrial carcinoma. Last evaluated: 2023-07-23. Review status: criteria provided, single submitter. Criteria: ACMG Guidelines, 2015. Collection method: clinical testing. Allele origin: unknown.

GeneDx
Classification: Likely pathogenic. Last evaluated: 2022-12-01. Review status: criteria provided, single submitter. Criteria: GeneDx Variant Classification Process June 2021. Collection method: clinical testing. Allele origin: germline. Affected: yes.
Comment: Frameshift variant predicted to result in protein truncation or nonsense mediated decay in a gene for which loss of function is a known mechanism of disease; Identified with a second MSH3 variant on the same allele (in cis) in a patient with adenomatous polyposis who also harbored a homozygous truncating variant in a candidate gene (Olkinuora et al., 2018); This variant is associated with the following publications: (PMID: 27476653, 34009545, 30573798)

Literature cited by the submitters: PubMed 27476653 (cited by Labcorp Genetics (formerly Invitae), Labcorp); PubMed 37402566 (cited by Labcorp Genetics (formerly Invitae), Labcorp); PubMed 30573798 (cited by Ambry Genetics).